The following is an entry in ClinVar:

NM_139027.6(ADAMTS13):c.1007C>T (p.Ser336Phe)

Gene: ADAMTS13 (ADAM metallopeptidase with thrombospondin type 1 motif 13; plus strand). Cytogenetic location: 9q34.2.
Variant type: single nucleotide variant.
Coding change: c.1007C>T on transcript NM_139027.6 (MANE Select); coding-DNA position 1007, C replaced by T.
Protein change: p.Ser336Phe; replaces serine 336 with phenylalanine.
Molecular consequence: missense variant. On other transcripts: non-coding transcript variant (1).
Genome position (GRCh38, 1-based): chr9:133,432,607, C>T. VCF-style: chr9-133432607-C-T. GRCh37 (hg19) VCF-style: chr9-136297728-C-T.
Other names: c.1007C>T, p.Ser336Phe (NM_139025.5); c.914C>T, p.Ser305Phe (NM_139026.6); short protein forms S336F, S305F.
Identifiers: ClinVar variation 4994962 (VCV004994962.1).

ClinVar aggregate classification (germline): Uncertain significance (1 of 4 stars; one submission).

Conditions:
ADAMTS13-related disorder. Also called: ADAMTS13-related condition.

gnomAD v4.1: 2 of 1,554,438 alleles (0.00013%); highest among the groups gnomAD compares: Non-Finnish European, 0.00017%; no homozygotes.

Submission:

PreventionGenetics, part of Exact Sciences
Classification: Uncertain significance for ADAMTS13-related condition. Last evaluated: 2025-10-14. Review status: criteria provided, single submitter. Criteria: ACMG Guidelines, 2015. Collection method: clinical testing. Allele origin: germline.
Comment: The ADAMTS13 c.1007C>T variant is predicted to result in the amino acid substitution p.Ser336Phe. To our knowledge, this variant has not been reported in the literature or in a large population database (gnomAD), indicating this variant is rare. At this time, the clinical significance of this variant is uncertain due to the absence of conclusive functional and genetic evidence.